The following is an entry in ClinVar:

NM_000152.5(GAA):c.2331+20G>A

Gene: GAA (alpha glucosidase; plus strand). Cytogenetic location: 17q25.3.
Variant type: single nucleotide variant.
Coding change: c.2331+20G>A on transcript NM_000152.5 (MANE Select); 20 bases into the intron after coding-DNA position 2331, G replaced by A.
Molecular consequence: intron variant.
Genome position (GRCh38, 1-based): chr17:80,117,129, G>A. VCF-style: chr17-80117129-G-A. GRCh37 (hg19) VCF-style: chr17-78090928-G-A.
Other names: c.2331+20G>A (NM_001079803.3, NM_001079804.3, LRG_673t1).
Identifiers: ClinVar variation 92474 (VCV000092474.24), dbSNP rs2304832, ClinGen allele CA145768.
Genomic context (GRCh38, chr17:80,117,129, plus strand): 5'-CTGGCTACTTCCCCTTGGGCACATGGTACGACCTGCAGACGGTGAGTCTGGGGACCCTAA[G>A]CCCTGGGGAGACGGGAGACCAGAGCAGCCCTCCCACCTGCCCCCTCCACCCAGTTGGTGT-3'

ClinVar aggregate classification (germline): Benign. Review status: criteria provided, multiple submitters, no conflicts (2 of 4 stars). 12 submissions from 12 submitters: Benign (8). 4 of the submissions do not count toward it. Last evaluated 2026-07-01.

Conditions:
Glycogen storage disease, type II (IOPD). Also called: POMPE DISEASE, INFANTILE-ONSET; GLYCOGEN STORAGE DISEASE II, INFANTILE-ONSET; ACID ALPHA-GLUCOSIDASE DEFICIENCY, INFANTILE-ONSET; GAA DEFICIENCY, INFANTILE-ONSET; ACID MALTASE DEFICIENCY, INFANTILE-ONSET; Glucosidase acid-1,4-alpha deficiency. Identifiers: Orphanet 365, MedGen C0017921, MONDO:0009290, OMIM 232300.

Allele frequency attached by ClinVar (database versions not stated): gnomAD exomes 0.74168 and 0.75098; ExAC 0.75699; TOPMed 0.78815; 1000 Genomes Project 0.78934; 1000 Genomes Project 30x 0.79325; gnomAD 0.79734 and 0.80041; ESP Exome Variant Server 0.81916.
gnomAD v4.1: 1,216,711 of 1,609,616 alleles (76%); highest among the groups gnomAD compares: African/African-American, 95%; 463,537 homozygotes.

Submissions (12):

Genomenon, Inc
Classification: Benign for Glycogen storage disease, type II. Last evaluated: 2026-07-01. Review status: criteria provided, single submitter. Criteria: Genomenon Sequence Variant Interpretation Standards - Updated. Collection method: curation. Allele origin: germline. Affected: no.
Comment: GAA c.2331+20G>A is an intronic variant located in intron 16. This variant is present at high allele frequency in population databases. We classify GAA c.2331+20G>A as a benign variant.

Labcorp Genetics (formerly Invitae), Labcorp
Classification: Benign for Glycogen storage disease, type II. Last evaluated: 2026-02-04. Review status: criteria provided, single submitter. Criteria: Invitae Variant Classification Sherloc (09022015). Collection method: clinical testing. Allele origin: germline.

Blueprint Genetics
Classification: Benign. Last evaluated: 2024-11-28. Review status: criteria provided, single submitter. Criteria: ACMG Guidelines, 2015. Collection method: clinical testing. Allele origin: germline.

Genome-Nilou Lab
Classification: Benign for Glycogen storage disease, type II. Last evaluated: 2021-06-10. Review status: criteria provided, single submitter. Criteria: ACMG Guidelines, 2015. Collection method: clinical testing. Allele origin: germline. Affected: no.

Eurofins Ntd Llc (ga)
Classification: Benign. Last evaluated: 2018-06-12. Review status: criteria provided, single submitter. Criteria: EGL ClinVar v180209 classification definitions. Collection method: clinical testing. Allele origin: germline. Observed: 120 variant alleles, 49 heterozygotes, 71 homozygotes.

GeneDx
Classification: Benign. Last evaluated: 2015-03-03. Review status: criteria provided, single submitter. Criteria: GeneDx Variant Classification Process June 2021. Collection method: clinical testing. Allele origin: germline. Affected: yes.

Breakthrough Genomics
Classification: Benign. Review status: criteria provided, single submitter. Criteria: ACMG Guidelines, 2015. Collection method: not provided. Allele origin: germline. Inheritance: Autosomal recessive inheritance. Affected: yes.

PreventionGenetics, part of Exact Sciences
Classification: Benign. Review status: criteria provided, single submitter. Criteria: ACMG Guidelines, 2015. Collection method: clinical testing. Allele origin: germline.

Mayo Clinic Laboratories, Mayo Clinic
Classification: Benign. Last evaluated: 2015-10-19. Review status: no assertion criteria provided. Collection method: clinical testing. Allele origin: unknown. Not counted in ClinVar's aggregate classification.

Diagnostic Laboratory, Department of Genetics, University Medical Center Groningen
Classification: Benign for Glycogen storage disease, type II. Review status: no assertion criteria provided. Collection method: clinical testing. Allele origin: germline. Affected: yes. Study: VKGL Data-share Consensus. Not counted in ClinVar's aggregate classification.

Genome Diagnostics Laboratory, University Medical Center Utrecht
Classification: Benign. Review status: no assertion criteria provided. Collection method: clinical testing. Allele origin: germline. Affected: yes. Study: VKGL Data-share Consensus. Not counted in ClinVar's aggregate classification.

Joint Genome Diagnostic Labs from Nijmegen and Maastricht, Radboudumc and MUMC+
Classification: Benign. Review status: no assertion criteria provided. Collection method: clinical testing. Allele origin: germline. Affected: yes. Study: VKGL Data-share Consensus. Not counted in ClinVar's aggregate classification.